The following is an entry in ClinVar:

NM_018136.5(ASPM):c.9395T>G (p.Leu3132Arg)

Gene: ASPM (assembly factor for spindle microtubules; minus strand). Cytogenetic location: 1q31.3.
Variant type: single nucleotide variant.
Coding change: c.9395T>G on transcript NM_018136.5 (MANE Select); coding-DNA position 9395, T replaced by G.
Protein change: p.Leu3132Arg; replaces leucine 3132 with arginine.
Molecular consequence: missense variant.
Genome position (GRCh38, 1-based): chr1:197,091,956, A>C on the plus strand (T>G on the coding strand, the complement: ASPM is on the minus strand). VCF-style: chr1-197091956-A-C. GRCh37 (hg19) VCF-style: chr1-197061086-A-C.
Other names: p.L3132R:CTG>CGG; c.4640T>G, p.Leu1547Arg (NM_001206846.2); short protein forms L3132R, L1547R.
Identifiers: ClinVar variation 21625 (VCV000021625.29), dbSNP rs36004306, ClinGen allele CA171279.

ClinVar aggregate classification (germline): Benign/Likely benign. Review status: criteria provided, multiple submitters, no conflicts (2 of 4 stars). 14 submissions from 14 submitters: Benign (10); Likely benign (1). 3 of the submissions do not count toward it. Last evaluated 2026-02-03.

Conditions:
Microcephaly 5, primary, autosomal recessive (MCPH5). Also called: ASPM Primary Microcephaly. Identifiers: Orphanet 2512, MedGen C1837501, MONDO:0012106, OMIM 608716.

Allele frequency attached by ClinVar (database versions not stated): 1000 Genomes Project 0.01498; 1000 Genomes Project 30x 0.01562; TOPMed 0.03146; ESP Exome Variant Server 0.03475.
gnomAD v4.1: 66,453 of 1,611,488 alleles (4.1%); highest among the groups gnomAD compares: Middle Eastern, 5.8%; 1,621 homozygotes.

Submissions (14):

Labcorp Genetics (formerly Invitae), Labcorp
Classification: Benign. Last evaluated: 2026-02-03. Review status: criteria provided, single submitter. Criteria: Invitae Variant Classification Sherloc (09022015). Collection method: clinical testing. Allele origin: germline.

Athena Diagnostics
Classification: Benign. Last evaluated: 2025-03-03. Review status: criteria provided, single submitter. Criteria: Athena Diagnostics Criteria. Collection method: clinical testing. Allele origin: unknown.
Comment: The frequency of this variant in the general population is higher than would generally be expected for pathogenic variants in this gene.

Blueprint Genetics
Classification: Likely benign. Last evaluated: 2024-11-26. Review status: criteria provided, single submitter. Criteria: ACMG Guidelines, 2015. Collection method: clinical testing. Allele origin: germline.

Genome-Nilou Lab
Classification: Benign for Microcephaly 5, primary, autosomal recessive. Last evaluated: 2023-04-11. Review status: criteria provided, single submitter. Criteria: ACMG Guidelines, 2015. Collection method: clinical testing. Allele origin: germline. Affected: no.

SIB Swiss Institute of Bioinformatics
Classification: Benign for Microcephaly 5, primary, autosomal recessive. Last evaluated: 2018-10-15. Review status: criteria provided, single submitter. Criteria: ACMG Guidelines, 2015. Collection method: curation. Allele origin: germline.
Comment: This variant is interpreted as Benign, for Microcephaly 5, primary, autosomal recessive. The following ACMG Tag(s) were applied: BP1 => Missense in gene where only truncating cause disease. BP4 => Multiple lines of computational evidence suggest no impact on gene or gene product (conservation, evolutionary, splicing impact, etc.). BS1 => Observed in a healthy adult individual for a recessive (homozygous), dominant (heterozygous), or X-linked (hemizygous) disorder, with full penetrance expected at an early age. BS2 => Allele frequency is greater than expected for disorder.

Illumina Laboratory Services, Illumina
Classification: Benign for Microcephaly 5, primary, autosomal recessive. Last evaluated: 2018-01-13. Review status: criteria provided, single submitter. Criteria: ICSL Variant Classification Criteria 13 December 2019. Collection method: clinical testing. Allele origin: germline.
Comment: This variant was observed in the ICSL laboratory as part of a predisposition screen in an ostensibly healthy population. It had not been previously curated by ICSL or reported in the Human Gene Mutation Database (HGMD: prior to June 1st, 2018), and was therefore a candidate for classification through an automated scoring system. Utilizing variant allele frequency, disease prevalence and penetrance estimates, and inheritance mode, an automated score was calculated to assess if this variant is too frequent to cause the disease. Based on the score and internal cut-off values, a variant classified as benign is not then subjected to further curation. The score for this variant resulted in a classification of benign for this disease.

Laboratory for Molecular Medicine, Mass General Brigham Personalized Medicine
Classification: Benign. Last evaluated: 2016-03-29. Review status: criteria provided, single submitter. Criteria: LMM Criteria. Collection method: clinical testing. Allele origin: germline.
Comment: Variant identified in a genome or exome case(s) and assessed due to predicted null impact of the variant or pathogenic assertions in the literature or databases. Disclaimer: This variant has not undergone full assessment. The following are preliminary notes: Frequency

GeneDx
Classification: Benign. Last evaluated: 2013-12-18. Review status: criteria provided, single submitter. Criteria: GeneDx Variant Classification (06012015). Collection method: clinical testing. Allele origin: germline. Affected: yes.
Comment: This variant is considered likely benign or benign based on one or more of the following criteria: it is a conservative change, it occurs at a poorly conserved position in the protein, it is predicted to be benign by multiple in silico algorithms, and/or has population frequency not consistent with disease.

Genetic Services Laboratory, University of Chicago
Classification: Benign. Last evaluated: 2013-02-08. Review status: criteria provided, single submitter. Criteria: ACMG Guidelines, 2007. Collection method: clinical testing. Allele origin: germline. Inheritance: Autosomal recessive inheritance.

Breakthrough Genomics
Classification: Benign. Review status: criteria provided, single submitter. Criteria: ACMG Guidelines, 2015. Collection method: not provided. Allele origin: germline. Inheritance: Autosomal recessive inheritance. Affected: yes.

PreventionGenetics, part of Exact Sciences
Classification: Benign. Review status: criteria provided, single submitter. Criteria: ACMG Guidelines, 2015. Collection method: clinical testing. Allele origin: germline.

Clinical Genetics DNA and cytogenetics Diagnostics Lab, Erasmus MC, Erasmus Medical Center
Classification: Benign. Review status: no assertion criteria provided. Collection method: clinical testing. Allele origin: germline. Affected: yes. Study: VKGL Data-share Consensus. Not counted in ClinVar's aggregate classification.

GeneReviews
No classification provided. Condition: Microcephaly 5, primary, autosomal recessive. Review status: no classification provided. Collection method: literature only. Allele origin: unknown. Not counted in ClinVar's aggregate classification.

Joint Genome Diagnostic Labs from Nijmegen and Maastricht, Radboudumc and MUMC+
Classification: Benign. Review status: no assertion criteria provided. Collection method: clinical testing. Allele origin: germline. Affected: yes. Study: VKGL Data-share Consensus. Not counted in ClinVar's aggregate classification.

Literature cited by the submitters: PubMed 14574646 (cited by Athena Diagnostics); PubMed 16141009 (cited by Athena Diagnostics); PubMed 21297427 (cited by Athena Diagnostics); PubMed 20301772 (cited by GeneReviews); NCBI Bookshelf NBK9587 (cited by GeneReviews).